The following is an entry in ClinVar:

ClinVar aggregate classification (germline): Uncertain significance (1 of 4 stars; one submission).

Submission:

Women's Health and Genetics/Laboratory Corporation of America, LabCorp
Classification: Uncertain significance. Last evaluated: 2026-01-27. Review status: criteria provided, single submitter. Criteria: LabCorp Variant Classification Summary - May 2015. Collection method: clinical testing. Allele origin: germline.
Comment: Variant summary: ZNF469 c.1400_1408delAGCCCAGCC (p.Gln467_Ser469del) results in an in-frame deletion that is predicted to remove three amino acids from the encoded protein. The variant was absent in 146188 control chromosomes. The available data on variant occurrences in the general population are insufficient to allow any conclusion about variant significance. To our knowledge, no occurrence of c.1400_1408delAGCCCAGCC in individuals affected with ZNF469-related conditions and no experimental evidence demonstrating its impact on protein function have been reported. No submitters have cited clinical-significance assessments for this variant to ClinVar. Based on the evidence outlined above, the variant was classified as uncertain significance.

NM_001367624.2(ZNF469):c.1400_1408del (p.Gln467_Ser469del)

Gene: ZNF469 (zinc finger protein 469; plus strand). Cytogenetic location: 16q24.2.
Variant type: Deletion.
Coding change: c.1400_1408del on transcript NM_001367624.2 (MANE Select); coding-DNA positions 1400 to 1408, 9 bases deleted (AGCCCAGCC; older notation c.1400_1408delAGCCCAGCC).
Protein change: p.Gln467_Ser469del.
Molecular consequence: inframe deletion.
Genome position (GRCh38, 1-based): chr16:88,428,870-88,428,878, AGCCCAGCC deleted; deleting any 9 consecutive bases within chr16:88,428,867-88,428,878 gives the same sequence; the c. name uses the placement nearest the transcript's 3' end. VCF-style (leftmost placement, unchanged base first): chr16-88428866-GGCCAGCCCA-G. GRCh37 (hg19) VCF-style: chr16-88495274-GGCCAGCCCA-G.
Other names: c.1400_1408delAGCCCAGCC (NM_001367624.2).
Identifiers: ClinVar variation 4689331 (VCV004689331.1).